The following is an entry in ClinVar:

NM_153717.3(EVC):c.1128_1132del (p.His377fs)

Gene: EVC (EvC ciliary complex subunit 1; plus strand). Cytogenetic location: 4p16.2.
Variant type: Deletion.
Coding change: c.1128_1132del on transcript NM_153717.3 (MANE Select); coding-DNA positions 1128 to 1132, 5 bases deleted (GCACA; older notation c.1128_1132delGCACA).
Protein change: p.His377fs; shifts the reading frame from histidine 377.
Molecular consequence: frameshift variant.
Genome position (GRCh38, 1-based): chr4:5,752,865-5,752,869, GCACA deleted. VCF-style (leftmost placement, unchanged base first): chr4-5752864-CGCACA-C. GRCh37 (hg19) VCF-style: chr4-5754591-CGCACA-C.
Other names: c.1128_1132del, p.His377fs (NM_001306090.2, NM_001306092.2); short protein forms H377fs.
Identifiers: ClinVar variation 1726061 (VCV001726061.2), dbSNP rs2475380111, ClinGen allele CA2580070819.

ClinVar aggregate classification (germline): Likely pathogenic (1 of 4 stars; one submission).

Conditions:
Ellis-van Creveld syndrome (EVC). Also called: EVC-Related Ellis-van Creveld Syndrome; EVC2-Related Ellis-van Creveld Syndrome; MESOECTODERMAL DYSPLASIA; Chondroectodermal dysplasia. Identifiers: Orphanet 289, MedGen C0013903, MONDO:0009162, OMIM 225500.

Submission:

Myriad Genetics, Inc.
Classification: Likely pathogenic for Ellis-van Creveld syndrome. Last evaluated: 2022-05-14. Review status: criteria provided, single submitter. Criteria: Myriad Women's Health Autosomal Recessive and X-Linked Classification Criteria (2021). Collection method: clinical testing. Allele origin: unknown.
Comment: NM_153717.2(EVC):c.1128_1132del5(H377Gfs*5) is expected to be pathogenic in the context of EVC-related Ellis-van Creveld syndrome. This variant is predicted to lead to an abnormal or absent protein product due to the creation of a premature termination codon in EVC, a gene where loss-of-function variants are known to be pathogenic. Please note: this variant was assessed in the context of healthy population screening.